The following is an entry in ClinVar:

NM_005993.5(TBCD):c.1864A>G (p.Ile622Val)

Gene: TBCD (tubulin folding cofactor D). Cytogenetic location: 17q25.3.
Variant type: single nucleotide variant.
Coding change: c.1864A>G on transcript NM_005993.5 (MANE Select); coding-DNA position 1864, A replaced by G.
Protein change: p.Ile622Val; replaces isoleucine 622 with valine.
Molecular consequence: missense variant.
Genome position (GRCh38, 1-based): chr17:82,905,995, A>G. VCF-style: chr17-82905995-A-G. GRCh37 (hg19) VCF-style: chr17-80863871-A-G.
Other names: c.1864A>G (NM_005993.4); c.1813A>G, p.Ile605Val (NM_001411101.1); c.1783A>G, p.Ile595Val (NM_001411102.1); short protein forms I595V, I605V, I622V.
Identifiers: ClinVar variation 1907975 (VCV001907975.5), dbSNP rs199609098, ClinGen allele CA8862804.
Genomic context (GRCh38, chr17:82,905,995, plus strand): 5'-GTCTTCCCGAGGCTGCTGTCCATGACACTGAGTCCAGATCTTCACATGAGGCATGGGTCG[A>G]TTCTCGCCTGCGCAGAAGTTGCTTACGCCTTGTACAAACTTGCAGCCCAAGAGAACAGGT-3'
Protein context (NP_005984.3, residues 612-632): SPDLHMRHGS[Ile622Val]LACAEVAYAL

ClinVar aggregate classification (germline): Conflicting classifications of pathogenicity. Review status: criteria provided, conflicting classifications (1 of 4 stars). 3 submissions from 3 submitters: Uncertain significance (2); Likely benign (1). Last evaluated 2025-04-08.

Conditions:
Inborn genetic diseases. Identifiers: MedGen C0950123, MeSH D030342.

Allele frequency attached by ClinVar (database versions not stated): gnomAD exomes below 0.00001; ExAC 0.00003; TOPMed 0.00006; gnomAD 0.00009; ESP Exome Variant Server 0.00039.
gnomAD v4.1: 14 of 1,613,082 alleles (0.00087%); highest among the groups gnomAD compares: African/African-American, 0.017%; no homozygotes.

Submissions (3):

Labcorp Genetics (formerly Invitae), Labcorp
Classification: Uncertain significance. Last evaluated: 2025-04-08. Review status: criteria provided, single submitter. Criteria: Invitae Variant Classification Sherloc (09022015). Collection method: clinical testing. Allele origin: germline.
Comment: This sequence change replaces isoleucine, which is neutral and non-polar, with valine, which is neutral and non-polar, at codon 622 of the TBCD protein (p.Ile622Val). The frequency data for this variant in the population databases is considered unreliable, as metrics indicate poor data quality at this position in the gnomAD database. This variant has not been reported in the literature in individuals affected with TBCD-related conditions. ClinVar contains an entry for this variant (Variation ID: 1907975). Invitae Evidence Modeling of protein sequence and biophysical properties (such as structural, functional, and spatial information, amino acid conservation, physicochemical variation, residue mobility, and thermodynamic stability) indicates that this missense variant is not expected to disrupt TBCD protein function with a negative predictive value of 80%. In summary, the available evidence is currently insufficient to determine the role of this variant in disease. Therefore, it has been classified as a Variant of Uncertain Significance.

Ambry Genetics
Classification: Likely benign for Inborn genetic diseases. Last evaluated: 2024-12-03. Review status: criteria provided, single submitter. Criteria: Ambry Variant Classification Scheme 2023. Collection method: clinical testing. Allele origin: germline.

GeneDx
Classification: Uncertain significance. Last evaluated: 2023-12-21. Review status: criteria provided, single submitter. Criteria: GeneDx Variant Classification Process June 2021. Collection method: clinical testing. Allele origin: germline. Affected: yes.
Comment: In silico analysis supports that this missense variant does not alter protein structure/function; Has not been previously published as pathogenic or benign to our knowledge